The following is an entry in ClinVar:

NM_152328.5(ADSS1):c.193-5054C>G

Gene: ADSS1 (adenylosuccinate synthase 1; plus strand). Cytogenetic location: 14q32.33.
Variant type: single nucleotide variant.
Coding change: c.193-5054C>G on transcript NM_152328.5 (MANE Select); 5054 bases into the intron before coding-DNA position 193, C replaced by G.
Molecular consequence: intron variant. On other transcripts: 5 prime UTR variant (1), missense variant (1).
Genome position (GRCh38, 1-based): chr14:104,729,966, C>G. VCF-style: chr14-104729966-C-G. GRCh37 (hg19) VCF-style: chr14-105196303-C-G.
Other names: c.-654C>G (NM_001320424.1); c.74C>G, p.Thr25Ser (NM_199165.2); short protein forms T25S.
Identifiers: ClinVar variation 2056622 (VCV002056622.4), dbSNP rs1890858882, ClinGen allele CA391232504.
Genomic context (GRCh38, chr14:104,729,966, plus strand): 5'-GCTGTGGGGTGGCAACCCAGAGGCAAGGAGGTGGGCAGAGGCCCACGAACCTGGCCCTGA[C>G]CCTCAGCTCGTCCCCAGCTCACAGCACAGCCCTCCCCTGGCTGCCTCCAAGGAGTCTCCA-3'

ClinVar aggregate classification (germline): Uncertain significance (1 of 4 stars; one submission).

Allele frequency attached by ClinVar (database versions not stated): gnomAD exomes below 0.00001; TOPMed below 0.00001.
gnomAD v4.1: 1 of 1,591,208 alleles (0.000063%); highest among the groups gnomAD compares: African/African-American, 0.0013%; no homozygotes.

Submission:

Labcorp Genetics (formerly Invitae), Labcorp
Classification: Uncertain significance. Last evaluated: 2022-06-28. Review status: criteria provided, single submitter. Criteria: Invitae Variant Classification Sherloc (09022015). Collection method: clinical testing. Allele origin: germline.
Comment: This sequence change replaces threonine, which is neutral and polar, with serine, which is neutral and polar, at codon 25 of the ADSSL1 protein (p.Thr25Ser). In summary, the available evidence is currently insufficient to determine the role of this variant in disease. Therefore, it has been classified as a Variant of Uncertain Significance. Experimental studies and prediction algorithms are not available or were not evaluated, and the functional significance of this variant is currently unknown. This variant has not been reported in the literature in individuals affected with ADSSL1-related conditions. This variant is not present in population databases (gnomAD no frequency).